The following is an entry in ClinVar:

NM_006766.5(KAT6A):c.5437C>T (p.Pro1813Ser)

Gene: KAT6A (lysine acetyltransferase 6A; minus strand). Cytogenetic location: 8p11.21.
Variant type: single nucleotide variant.
Coding change: c.5437C>T on transcript NM_006766.5 (MANE Select); coding-DNA position 5437, C replaced by T.
Protein change: p.Pro1813Ser; replaces proline 1813 with serine.
Molecular consequence: missense variant.
Genome position (GRCh38, 1-based): chr8:41,932,783, G>A on the plus strand (C>T on the coding strand, the complement: KAT6A is on the minus strand). VCF-style: chr8-41932783-G-A. GRCh37 (hg19) VCF-style: chr8-41790301-G-A.
Other names: short protein forms P1813S.
Identifiers: ClinVar variation 3385012 (VCV003385012.1).

ClinVar aggregate classification (germline): Uncertain significance (1 of 4 stars; one submission).

gnomAD v4.1: 2 of 1,614,232 alleles (0.00012%); highest among the groups gnomAD compares: Non-Finnish European, 0.00017%; no homozygotes.

Submission:

Women's Health and Genetics/Laboratory Corporation of America, LabCorp
Classification: Uncertain significance. Last evaluated: 2024-10-28. Review status: criteria provided, single submitter. Criteria: LabCorp Variant Classification Summary - May 2015. Collection method: clinical testing. Allele origin: germline.
Comment: Variant summary: KAT6A c.5437C>T (p.Pro1813Ser) results in a non-conservative amino acid change in the encoded protein sequence. Four of five in-silico tools predict a damaging effect of the variant on protein function. The variant was absent in 251458 control chromosomes. The available data on variant occurrences in the general population are insufficient to allow any conclusion about variant significance. To our knowledge, no occurrence of c.5437C>T in individuals affected with Arboleda-Tham Syndrome and no experimental evidence demonstrating its impact on protein function have been reported. No submitters have cited clinical-significance assessments for this variant to ClinVar. Based on the evidence outlined above, the variant was classified as uncertain significance.